The following is an entry in ClinVar:

NM_152468.5(TMC8):c.1824-1G>C

Gene: TMC8 (transmembrane channel like 8; plus strand). Cytogenetic location: 17q25.3.
Variant type: single nucleotide variant.
Coding change: c.1824-1G>C on transcript NM_152468.5 (MANE Select); the canonical splice acceptor site of the intron before coding-DNA position 1824, G replaced by C.
Molecular consequence: splice acceptor variant.
Genome position (GRCh38, 1-based): chr17:78,139,161, G>C. VCF-style: chr17-78139161-G-C. GRCh37 (hg19) VCF-style: chr17-76135242-G-C.
Identifiers: ClinVar variation 1349741 (VCV001349741.7), dbSNP rs369371040, ClinGen allele CA8797060.

ClinVar aggregate classification (germline): Pathogenic/Likely pathogenic. Review status: criteria provided, multiple submitters, no conflicts (2 of 4 stars). 2 submissions from 2 submitters: Pathogenic (1); Likely pathogenic (1). Last evaluated 2024-03-26.

Conditions:
Epidermodysplasia verruciformis. Identifiers: Orphanet 302, MedGen C0014522, MONDO:0009176.
Epidermodysplasia verruciformis, susceptibility to, 2. Also called: Epidermodysplasia verruciformis 2. Identifiers: MedGen C4722258, MONDO:0032614, OMIM 618231.

Allele frequency attached by ClinVar (database versions not stated): gnomAD exomes below 0.00001; TOPMed below 0.00001; ExAC 0.00001; gnomAD 0.00001; ESP Exome Variant Server 0.00008.
gnomAD v4.1: 9 of 1,613,468 alleles (0.00056%); highest among the groups gnomAD compares: Non-Finnish European, 0.00076%; no homozygotes.

Submissions (2):

Genomic Medicine Center of Excellence, King Faisal Specialist Hospital and Research Centre
Classification: Pathogenic for Epidermodysplasia verruciformis, susceptibility to, 2. Last evaluated: 2024-03-26. Review status: criteria provided, single submitter. Criteria: ACMG Guidelines, 2015. Collection method: clinical testing. Allele origin: germline.

Labcorp Genetics (formerly Invitae), Labcorp
Classification: Likely pathogenic for Epidermodysplasia verruciformis. Last evaluated: 2024-02-24. Review status: criteria provided, single submitter. Criteria: Invitae Variant Classification Sherloc (09022015). Collection method: clinical testing. Allele origin: germline.
Comment: This sequence change affects an acceptor splice site in intron 14 of the TMC8 gene. It is expected to disrupt RNA splicing. Variants that disrupt the donor or acceptor splice site typically lead to a loss of protein function (PMID: 16199547), and loss-of-function variants in TMC8 are known to be pathogenic (PMID: 12426567, 22158547). This variant is present in population databases (rs369371040, gnomAD 0.0009%). This variant has not been reported in the literature in individuals affected with TMC8-related conditions. ClinVar contains an entry for this variant (Variation ID: 1349741). Algorithms developed to predict the effect of sequence changes on RNA splicing suggest that this variant may disrupt the consensus splice site. In summary, the currently available evidence indicates that the variant is pathogenic, but additional data are needed to prove that conclusively. Therefore, this variant has been classified as Likely Pathogenic.

Literature cited by the submitters: PubMed 16199547 (cited by Labcorp Genetics (formerly Invitae), Labcorp); PubMed 12426567 (cited by Labcorp Genetics (formerly Invitae), Labcorp); PubMed 22158547 (cited by Labcorp Genetics (formerly Invitae), Labcorp).